The following is an entry in ClinVar:

ClinVar aggregate classification (germline): Pathogenic (1 of 4 stars; one submission).

Conditions:
Hurler syndrome. Also called: Gargoylism, Hurler Syndrome; Severe MPS I (Hurler Syndrome); MUCOPOLYSACCHARIDOSIS TYPE IH. Identifiers: Orphanet 93473, MedGen C0086795, MONDO:0011758, OMIM 607014.

Submission:

Foundation for Research in Genetics and Endocrinology, FRIGE's Institute of Human Genetics
Classification: Pathogenic for Hurler syndrome. Last evaluated: 2023-02-10. Review status: criteria provided, single submitter. Criteria: ACMG Guidelines, 2015. Collection method: clinical testing. Allele origin: germline. Inheritance: Autosomal recessive inheritance. Affected: yes. Observed: 1 homozygote.
Comment: A homozygous deletion of exon 9 to exon 14 of the IDUA gene was detected (chr4:996520_998294del). This variant has not been reported in the 1000 genomes and gnomAD database. Large deletion encompassing these exons have previously been reported as pathogenic in ClinVar CNV. In summary, the CNV meets our criteria to be classifed as pathogenic

NM_000203.5(IDUA):c.1190_*113del886 (p.Asp397fs)

Gene: IDUA (alpha-L-iduronidase; plus strand). Cytogenetic location: 4p16.3.
Variant type: Deletion.
Coding change: c.1190_*113del886 on transcript NM_000203.5 (MANE Select); coding-DNA position 1190 through 113 bases downstream of the stop codon, 1,775 bases deleted.
Protein change: p.Asp397fs; shifts the reading frame from aspartic acid 397.
Molecular consequence: frameshift variant, splice acceptor variant, splice donor variant. On other transcripts: non-coding transcript variant (1).
Genome position (GRCh38, 1-based): chr4:1,002,732-1,004,506, 1,775 bases deleted. GRCh37 (hg19): chr4:996,520-998,294.
Other names: c.794_*113del886, p.Asp265fs (NM_001363576.1); short protein forms D265fs, D397fs.
Identifiers: ClinVar variation 4976804 (VCV004976804.1).